The following is an entry in ClinVar:

ClinVar aggregate classification (germline): Uncertain significance. Review status: criteria provided, multiple submitters, no conflicts (2 of 4 stars). 2 submissions from 2 submitters: Uncertain significance (2). Last evaluated 2025-07-31.

Conditions:
Mosaic variegated aneuploidy syndrome 2 (MVA2). Identifiers: Orphanet 1052, MedGen C3279843, MONDO:0013582, OMIM 614114.
Inborn genetic diseases. Identifiers: MedGen C0950123, MeSH D030342.

Allele frequency attached by ClinVar (database versions not stated): ExAC 0.00001; TOPMed 0.00001; gnomAD 0.00002; ESP Exome Variant Server 0.00008.

Submissions (2):

Labcorp Genetics (formerly Invitae), Labcorp
Classification: Uncertain significance for Mosaic variegated aneuploidy syndrome 2. Last evaluated: 2025-07-31. Review status: criteria provided, single submitter. Criteria: Invitae Variant Classification Sherloc (09022015). Collection method: clinical testing. Allele origin: germline.
Comment: This sequence change replaces arginine, which is basic and polar, with histidine, which is basic and polar, at codon 82 of the CEP57 protein (p.Arg82His). This variant is present in population databases (rs140149031, gnomAD 0.006%). This variant has not been reported in the literature in individuals affected with CEP57-related conditions. ClinVar contains an entry for this variant (Variation ID: 947834). Invitae Evidence Modeling of protein sequence and biophysical properties (such as structural, functional, and spatial information, amino acid conservation, physicochemical variation, residue mobility, and thermodynamic stability) indicates that this missense variant is not expected to disrupt CEP57 protein function with a negative predictive value of 80%. In summary, the available evidence is currently insufficient to determine the role of this variant in disease. Therefore, it has been classified as a Variant of Uncertain Significance.

Ambry Genetics
Classification: Uncertain significance for Inborn genetic diseases. Last evaluated: 2025-01-31. Review status: criteria provided, single submitter. Criteria: Ambry Variant Classification Scheme 2023. Collection method: clinical testing. Allele origin: germline.
Comment: The p.R82H variant (also known as c.245G>A), located in coding exon 3 of the CEP57 gene, results from a G to A substitution at nucleotide position 245. The arginine at codon 82 is replaced by histidine, an amino acid with highly similar properties. This amino acid position is conserved. In addition, the in silico prediction for this alteration is inconclusive. Based on the available evidence, the clinical significance of this variant remains unclear.

NM_014679.5(CEP57):c.245G>A (p.Arg82His)

Gene: CEP57 (centrosomal protein 57; plus strand). Cytogenetic location: 11q21.
Variant type: single nucleotide variant.
Coding change: c.245G>A on transcript NM_014679.5 (MANE Select); coding-DNA position 245, G replaced by A.
Protein change: p.Arg82His; replaces arginine 82 with histidine.
Molecular consequence: missense variant.
Genome position (GRCh38, 1-based): chr11:95,812,974, G>A. VCF-style: chr11-95812974-G-A. GRCh37 (hg19) VCF-style: chr11-95546138-G-A.
Other names: c.218G>A, p.Arg73His (NM_001243776.2); c.245G>A, p.Arg82His (NM_001243777.2); c.164G>A, p.Arg55His (NM_001363604.2); short protein forms R55H, R73H, R82H.
Identifiers: ClinVar variation 947834 (VCV000947834.10), dbSNP rs140149031, ClinGen allele CA6239422.